The following is an entry in ClinVar:

ClinVar aggregate classification (germline): Uncertain significance. Review status: criteria provided, multiple submitters, no conflicts (2 of 4 stars). 4 submissions from 4 submitters: Uncertain significance (4). Last evaluated 2025-08-14.

Conditions:
Inborn genetic diseases. Identifiers: MedGen C0950123, MeSH D030342.
Hereditary spastic paraplegia. Also called: Familial spastic paraparesis. Identifiers: Orphanet 685, MedGen C0037773, MONDO:0019064. Disease mechanism: loss of function.

Allele frequency attached by ClinVar (database versions not stated): ExAC 0.00002; gnomAD exomes 0.00002 and 0.00004; gnomAD 0.00005 and 0.00006; TOPMed 0.00006.
gnomAD v4.1: 69 of 1,614,032 alleles (0.0043%); highest among the groups gnomAD compares: Non-Finnish European, 0.0053%; 1 homozygote.

Submissions (4):

Ambry Genetics
Classification: Uncertain significance for Inborn genetic diseases. Last evaluated: 2025-08-14. Review status: criteria provided, single submitter. Criteria: Ambry Variant Classification Scheme 2023. Collection method: clinical testing. Allele origin: germline.

Labcorp Genetics (formerly Invitae), Labcorp
Classification: Uncertain significance. Last evaluated: 2022-04-11. Review status: criteria provided, single submitter. Criteria: Invitae Variant Classification Sherloc (09022015). Collection method: clinical testing. Allele origin: germline.
Comment: This sequence change replaces cysteine, which is neutral and slightly polar, with arginine, which is basic and polar, at codon 288 of the SPART protein (p.Cys288Arg). This variant is present in population databases (rs771147428, gnomAD 0.004%). This variant has not been reported in the literature in individuals affected with SPART-related conditions. ClinVar contains an entry for this variant (Variation ID: 450101). Algorithms developed to predict the effect of missense changes on protein structure and function are either unavailable or do not agree on the potential impact of this missense change (SIFT: "Tolerated"; PolyPhen-2: "Possibly Damaging"; Align-GVGD: "Class C0"). In summary, the available evidence is currently insufficient to determine the role of this variant in disease. Therefore, it has been classified as a Variant of Uncertain Significance.

GeneDx
Classification: Uncertain significance. Last evaluated: 2017-06-28. Review status: criteria provided, single submitter. Criteria: GeneDx Variant Classification (06012015). Collection method: clinical testing. Allele origin: germline. Affected: yes.
Comment: A variant of uncertain significance has been identified in the SPG20 gene. The C288R variant has not been published as a pathogenic variant, nor has it been reported as a benign variant to our knowledge. The C288R variant is observed in 3/66,524 (0.005%) alleles from individuals of European background (Lek et al., 2016; 1000 Genomes Consortium et al., 2015; Exome Variant Server). The C288R variant is a non-conservative amino acid substitution, which is likely to impact secondary protein structure as these residues differ in polarity, charge, size and/or other properties. This substitution occurs at a position that is conserved in mammals; however, Arginine is observed at this position in evolution. In silico analysis predicts this variant is probably damaging to the protein structure/function. Therefore, based on the currently available information, it is unclear whether this variant is a pathogenic variant or a rare benign variant.

Genome Diagnostics Laboratory, The Hospital for Sick Children
Classification: Uncertain significance for Hereditary spastic paraplegia. Last evaluated: 2016-12-12. Review status: criteria provided, single submitter. Criteria: ACMG Guidelines, 2015. Collection method: clinical testing. Allele origin: germline. Affected: yes.

NM_015087.5(SPART):c.862T>C (p.Cys288Arg)

Gene: SPART (spartin; minus strand). Cytogenetic location: 13q13.3.
Variant type: single nucleotide variant.
Coding change: c.862T>C on transcript NM_015087.5 (MANE Select); coding-DNA position 862, T replaced by C.
Protein change: p.Cys288Arg; replaces cysteine 288 with arginine.
Molecular consequence: missense variant.
Genome position (GRCh38, 1-based): chr13:36,331,545, A>G on the plus strand (T>C on the coding strand, the complement: SPART is on the minus strand). VCF-style: chr13-36331545-A-G. GRCh37 (hg19) VCF-style: chr13-36905682-A-G.
Other names: c.862T>C, p.Cys288Arg (NM_001142294.2, NM_001142295.2, NM_001142296.2); short protein forms C288R.
Identifiers: ClinVar variation 450101 (VCV000450101.10), dbSNP rs771147428, ClinGen allele CA6949547.
Genomic context (GRCh38, chr13:36,331,545, plus strand): 5'-CCACAAAGCATCCTGCTGCTTGTAGCATTGTATCAGGAAACATGTAGGCTCCCGCAGTAC[A>G]TTTCAGAACCGGAGATCTATCAGGAACTAGAGGATATAACCAGTCACAAACCTGAAAGGA-3'
Protein context (NP_055902.1, residues 278-298): LVPDRSPVLK[Cys288Arg]TAGAYMFPDT